The following is an entry in ClinVar:

NM_001388303.1(HECTD4):c.10017C>G (p.Thr3339=)

Gene: HECTD4 (HECT domain E3 ubiquitin protein ligase 4; minus strand). Cytogenetic location: 12q24.13.
Variant type: single nucleotide variant.
Coding change: c.10017C>G on transcript NM_001388303.1 (MANE Select); coding-DNA position 10017, C replaced by G.
Protein change: p.Thr3339=; no amino-acid change (threonine 3339 retained).
Molecular consequence: synonymous variant.
Genome position (GRCh38, 1-based): chr12:112,184,949, G>C on the plus strand (C>G on the coding strand, the complement: HECTD4 is on the minus strand). VCF-style: chr12-112184949-G-C. GRCh37 (hg19) VCF-style: chr12-112622753-G-C.
Other names: c.10047C>G, p.Thr3349= (NM_001109662.4).
Identifiers: ClinVar variation 3905773 (VCV003905773.10).

ClinVar aggregate classification (germline): Likely benign (1 of 4 stars; one submission).

gnomAD v4.1: 89 of 1,613,768 alleles (0.0055%); highest among the groups gnomAD compares: Admixed American, 0.12%; 1 homozygote.

Submission:

CeGaT Center for Human Genetics Tuebingen
Classification: Likely benign. Last evaluated: 2025-04-01. Review status: criteria provided, single submitter. Criteria: CeGaT Center For Human Genetics Tuebingen Variant Classification Criteria Version 2. Collection method: clinical testing. Allele origin: germline. Affected: yes. Observed: 1 variant allele.
Comment: HECTD4: BP4, BP7